The following is an entry in ClinVar:

ClinVar aggregate classification (germline): Uncertain significance. Review status: criteria provided, multiple submitters, no conflicts (2 of 4 stars). 2 submissions from 2 submitters: Uncertain significance (2). Last evaluated 2022-07-31.

Conditions:
Developmental and epileptic encephalopathy, 11 (DEE11). Also called: Early infantile epileptic encephalopathy 11. Identifiers: Orphanet 1934, MedGen C3150987, MONDO:0013388, OMIM 613721.
Seizures, benign familial infantile, 3 (BFIS3). Also called: CONVULSIONS, BENIGN FAMILIAL INFANTILE, 3; Familial neonatal seizures. Identifiers: Orphanet 140927, Orphanet 306, MedGen C1843140, MONDO:0011904, OMIM 607745.

Allele frequency attached by ClinVar (database versions not stated): ExAC 0.00001; gnomAD 0.00001.
gnomAD v4.1: 2 of 1,614,004 alleles (0.00012%); highest among the groups gnomAD compares: African/African-American, 0.0013%; no homozygotes.

Submissions (2):

Labcorp Genetics (formerly Invitae), Labcorp
Classification: Uncertain significance for Seizures, benign familial infantile, 3; Developmental and epileptic encephalopathy, 11. Last evaluated: 2022-07-31. Review status: criteria provided, single submitter. Criteria: Invitae Variant Classification Sherloc (09022015). Collection method: clinical testing. Allele origin: germline.
Comment: In summary, the available evidence is currently insufficient to determine the role of this variant in disease. Therefore, it has been classified as a Variant of Uncertain Significance. Algorithms developed to predict the effect of missense changes on protein structure and function are either unavailable or do not agree on the potential impact of this missense change (SIFT: "Deleterious"; PolyPhen-2: "Benign"; Align-GVGD: "Class C45"). This variant has not been reported in the literature in individuals affected with SCN2A-related conditions. This variant is present in population databases (rs781439085, gnomAD 0.0009%). This sequence change replaces serine, which is neutral and polar, with asparagine, which is neutral and polar, at codon 1740 of the SCN2A protein (p.Ser1740Asn).

Blueprint Genetics
Classification: Uncertain significance. Last evaluated: 2019-05-17. Review status: criteria provided, single submitter. Criteria: ACMG Guidelines, 2015. Collection method: clinical testing. Allele origin: germline.

NM_001040142.2(SCN2A):c.5219G>A (p.Ser1740Asn)

Gene: SCN2A (sodium voltage-gated channel alpha subunit 2; plus strand). Cytogenetic location: 2q24.3.
Variant type: single nucleotide variant.
Coding change: c.5219G>A on transcript NM_001040142.2 (MANE Select); coding-DNA position 5219, G replaced by A.
Protein change: p.Ser1740Asn; replaces serine 1740 with asparagine.
Molecular consequence: missense variant.
Genome position (GRCh38, 1-based): chr2:165,389,025, G>A. VCF-style: chr2-165389025-G-A. GRCh37 (hg19) VCF-style: chr2-166245535-G-A.
Other names: c.5219G>A, p.Ser1740Asn (NM_001040143.2, NM_001371246.1, NM_001371247.1 and 1 more transcripts); short protein forms S1740N.
Identifiers: ClinVar variation 1714624 (VCV001714624.7), dbSNP rs781439085, ClinGen allele CA1940376.